The following is an entry in ClinVar:

NM_025074.7(FRAS1):c.1796C>T (p.Ala599Val)

Gene: FRAS1 (Fraser extracellular matrix complex subunit 1; plus strand). Cytogenetic location: 4q21.21.
Variant type: single nucleotide variant.
Coding change: c.1796C>T on transcript NM_025074.7 (MANE Select); coding-DNA position 1796, C replaced by T.
Protein change: p.Ala599Val; replaces alanine 599 with valine.
Molecular consequence: missense variant.
Genome position (GRCh38, 1-based): chr4:78,315,711, C>T. VCF-style: chr4-78315711-C-T. GRCh37 (hg19) VCF-style: chr4-79236865-C-T.
Other names: c.1796C>T, p.Ala599Val (NM_001166133.2); short protein forms A599V.
Identifiers: ClinVar variation 903827 (VCV000903827.7), dbSNP rs368186922, ClinGen allele CA2976429.

ClinVar aggregate classification (germline): Uncertain significance. Review status: criteria provided, multiple submitters, no conflicts (2 of 4 stars). 3 submissions from 3 submitters: Uncertain significance (3). Last evaluated 2024-03-28.

Conditions:
Fraser syndrome 1 (FRASRS1). Also called: CRYPTOPHTHALMOS WITH OTHER MALFORMATIONS. Identifiers: Orphanet 2052, MedGen C4551480, MONDO:0054737, OMIM 219000.

Allele frequency attached by ClinVar (database versions not stated): TOPMed 0.00014; gnomAD 0.00015 and 0.00016; ESP Exome Variant Server 0.00016; 1000 Genomes Project 0.00040; 1000 Genomes Project 30x 0.00047.
gnomAD v4.1: 442 of 1,613,970 alleles (0.027%); highest among the groups gnomAD compares: Non-Finnish European, 0.035%; no homozygotes.

Submissions (3):

Labcorp Genetics (formerly Invitae), Labcorp
Classification: Uncertain significance. Last evaluated: 2024-03-28. Review status: criteria provided, single submitter. Criteria: Invitae Variant Classification Sherloc (09022015). Collection method: clinical testing. Allele origin: germline.
Comment: This sequence change replaces alanine, which is neutral and non-polar, with valine, which is neutral and non-polar, at codon 599 of the FRAS1 protein (p.Ala599Val). This variant is present in population databases (rs368186922, gnomAD 0.02%). This variant has not been reported in the literature in individuals affected with FRAS1-related conditions. ClinVar contains an entry for this variant (Variation ID: 903827). Algorithms developed to predict the effect of missense changes on protein structure and function output the following: SIFT: "Not Available"; PolyPhen-2: "Benign"; Align-GVGD: "Not Available". The valine amino acid residue is found in multiple mammalian species, which suggests that this missense change does not adversely affect protein function. In summary, the available evidence is currently insufficient to determine the role of this variant in disease. Therefore, it has been classified as a Variant of Uncertain Significance.

Fulgent Genetics
Classification: Uncertain significance for Fraser syndrome 1. Last evaluated: 2024-03-25. Review status: criteria provided, single submitter. Criteria: ACMG Guidelines, 2015. Collection method: clinical testing. Allele origin: germline.

Illumina Laboratory Services, Illumina
Classification: Uncertain significance for Fraser syndrome 1. Last evaluated: 2018-01-13. Review status: criteria provided, single submitter. Criteria: ICSL Variant Classification Criteria 13 December 2019. Collection method: clinical testing. Allele origin: germline.